The following is an entry in ClinVar:

ClinVar aggregate classification (germline): Likely benign (1 of 4 stars; one submission).

Allele frequency attached by ClinVar (database versions not stated): ESP Exome Variant Server 0.00088.
gnomAD v4.1: 1,849 of 1,550,476 alleles (0.12%); highest among the groups gnomAD compares: Non-Finnish European, 0.16%; 2 homozygotes.

Submission:

CeGaT Center for Human Genetics Tuebingen
Classification: Likely benign. Last evaluated: 2022-10-01. Review status: criteria provided, single submitter. Criteria: CeGaT Center For Human Genetics Tuebingen Variant Classification Criteria Version 2. Collection method: clinical testing. Allele origin: germline. Affected: yes. Observed: 1 variant allele.
Comment: MYADML2: BP4, BP7

NM_001145113.3(MYADML2):c.798C>T (p.Asn266=)

Gene: MYADML2 (myeloid associated differentiation marker like 2; minus strand). Cytogenetic location: 17q25.3.
Variant type: single nucleotide variant.
Coding change: c.798C>T on transcript NM_001145113.3 (MANE Select); coding-DNA position 798, C replaced by T.
Protein change: p.Asn266=; no amino-acid change (asparagine 266 retained).
Molecular consequence: synonymous variant.
Genome position (GRCh38, 1-based): chr17:81,940,944, G>A on the plus strand (C>T on the coding strand, the complement: MYADML2 is on the minus strand). VCF-style: chr17-81940944-G-A. GRCh37 (hg19) VCF-style: chr17-79898820-G-A.
Identifiers: ClinVar variation 2648475 (VCV002648475.24), dbSNP rs377112990, ClinGen allele CA8845653.